The following is an entry in ClinVar:

ClinVar aggregate classification (germline): Uncertain significance (1 of 4 stars; one submission).

Allele frequency attached by ClinVar (database versions not stated): gnomAD exomes below 0.00001; TOPMed below 0.00001; gnomAD 0.00001; ExAC 0.00002.
gnomAD v4.1: 7 of 1,571,982 alleles (0.00045%); highest among the groups gnomAD compares: Admixed American, 0.0036%; no homozygotes.

Submission:

Labcorp Genetics (formerly Invitae), Labcorp
Classification: Uncertain significance. Last evaluated: 2022-09-03. Review status: criteria provided, single submitter. Criteria: Invitae Variant Classification Sherloc (09022015). Collection method: clinical testing. Allele origin: germline.
Comment: This variant has not been reported in the literature in individuals affected with FSCN2-related conditions. In summary, the available evidence is currently insufficient to determine the role of this variant in disease. Therefore, it has been classified as a Variant of Uncertain Significance. Algorithms developed to predict the effect of missense changes on protein structure and function (SIFT, PolyPhen-2, Align-GVGD) all suggest that this variant is likely to be tolerated. ClinVar contains an entry for this variant (Variation ID: 1037425). The frequency data for this variant in the population databases is considered unreliable, as metrics indicate poor data quality at this position in the gnomAD database. This sequence change replaces alanine, which is neutral and non-polar, with threonine, which is neutral and polar, at codon 470 of the FSCN2 protein (p.Ala470Thr).

NM_012418.4(FSCN2):c.1336G>A (p.Ala446Thr)

Gene: FSCN2 (fascin actin-bundling protein 2, retinal; plus strand). Cytogenetic location: 17q25.3.
Variant type: single nucleotide variant.
Coding change: c.1336G>A on transcript NM_012418.4 (MANE Select); coding-DNA position 1336, G replaced by A.
Protein change: p.Ala446Thr; replaces alanine 446 with threonine.
Molecular consequence: missense variant.
Genome position (GRCh38, 1-based): chr17:81,536,937, G>A. VCF-style: chr17-81536937-G-A. GRCh37 (hg19) VCF-style: chr17-79503963-G-A.
Other names: c.1408G>A, p.Ala470Thr (NM_001077182.3); short protein forms A446T, A470T.
Identifiers: ClinVar variation 1037425 (VCV001037425.6), dbSNP rs769439726, ClinGen allele CA8837117.
Genomic context (GRCh38, chr17:81,536,937, plus strand): 5'-CGCGACGGAGGGTTCTGGTACACGGGCAGCCACGGCAGCGTGTGCAGCGACGGCGAACGC[G>A]CCGAGGACTTCGTCTTCGAGTTCCGTGAGCGCGGCCGCCTGGCCATCCGCGCCCGGAGCG-3'
Protein context (NP_036550.1, residues 436-456): HGSVCSDGER[Ala446Thr]EDFVFEFRER